The following is an entry in ClinVar:

ClinVar aggregate classification (germline): Pathogenic (1 of 4 stars; one submission).

Conditions:
Hypertrophic cardiomyopathy 26. Also called: Cardiomyopathy, familial hypertrophic, 26. Identifiers: Orphanet 75249, MedGen C4310749, MONDO:0014883, OMIM 617047.
Myofibrillar myopathy 5. Also called: Filaminopathy (type); FILAMINOPATHY, AUTOSOMAL DOMINANT. Identifiers: Orphanet 171445, MedGen C1836050, MONDO:0012289, OMIM 609524.
Distal myopathy with posterior leg and anterior hand involvement. Also called: WILLIAMS DISTAL MYOPATHY. Identifiers: Orphanet 63273, MedGen C3279722, MONDO:0013550, OMIM 614065.

Submission:

Labcorp Genetics (formerly Invitae), Labcorp
Classification: Pathogenic for Distal myopathy with posterior leg and anterior hand involvement; Myofibrillar myopathy 5; Hypertrophic cardiomyopathy 26. Last evaluated: 2025-05-18. Review status: criteria provided, single submitter. Criteria: Invitae Variant Classification Sherloc (09022015). Collection method: clinical testing. Allele origin: germline.
Comment: This sequence change creates a premature translational stop signal (p.Asp2460Thrfs*69) in the FLNC gene. It is expected to result in an absent or disrupted protein product. Loss-of-function variants in FLNC are known to be pathogenic (PMID: 27908349). This variant is not present in population databases (gnomAD no frequency). This variant has not been reported in the literature in individuals affected with FLNC-related conditions. For these reasons, this variant has been classified as Pathogenic.

Literature cited by the submitters: PubMed 27908349.

NM_001458.5(FLNC):c.7378del (p.Asp2460fs)

Genes: FLNC (filamin C; plus strand), FLNC-AS1 (FLNC antisense RNA 1; minus strand). Cytogenetic location: 7q32.1.
Variant type: Deletion.
Coding change: c.7378del on transcript NM_001458.5 (MANE Select); coding-DNA position 7378, one base deleted (G; older notation c.7378delG).
Protein change: p.Asp2460fs; shifts the reading frame from aspartic acid 2460.
Molecular consequence: frameshift variant.
Genome position (GRCh38, 1-based): chr7:128,856,644, G deleted; the last of 2 consecutive G bases (chr7:128,856,643-128,856,644); deleting either gives the same sequence. VCF-style (leftmost placement, unchanged base first): chr7-128856642-TG-T. GRCh37 (hg19) VCF-style: chr7-128496696-TG-T.
Other names: c.7279del, p.Asp2427fs (NM_001127487.2); short protein forms D2427fs, D2460fs.
Identifiers: ClinVar variation 4812489 (VCV004812489.1).